The following is an entry in ClinVar:

ClinVar aggregate classification (germline): Benign/Likely benign. Review status: criteria provided, multiple submitters, no conflicts (2 of 4 stars). 6 submissions from 6 submitters: Benign (3); Likely benign (3). Last evaluated 2026-06-01.

Conditions:
Familial hyperaldosteronism type II. Also called: FH II. Identifiers: Orphanet 404, MedGen C1854107, MONDO:0011576, OMIM 605635.
Leukoencephalopathy with mild cerebellar ataxia and white matter edema (LKPAT). Also called: Leukoencephalopathy with ataxia; CLCN2-Related Leukoencephalopathy; Leukoencephalopathy with white matter edema; Brain white matter edema. Identifiers: Orphanet 363540, MedGen C4554120, MONDO:0014292, OMIM 615651. Disease mechanism: loss of function.
Epilepsy, idiopathic generalized, susceptibility to, 11 (EIG11). Identifiers: Orphanet 307, MedGen C2750893, MONDO:0011875, OMIM 607628.

Submissions (6):

CeGaT Center for Human Genetics Tuebingen
Classification: Benign. Last evaluated: 2026-06-01. Review status: criteria provided, single submitter. Criteria: CeGaT Center For Human Genetics Tuebingen Variant Classification Criteria Version 2. Collection method: clinical testing. Allele origin: germline. Affected: yes. Observed: 5 variant alleles.
Comment: CLCN2: BP4, BS1, BS2

Labcorp Genetics (formerly Invitae), Labcorp
Classification: Benign. Last evaluated: 2026-01-15. Review status: criteria provided, single submitter. Criteria: Invitae Variant Classification Sherloc (09022015). Collection method: clinical testing. Allele origin: germline.

Mayo Clinic Laboratories, Mayo Clinic
Classification: Benign. Last evaluated: 2025-04-23. Review status: criteria provided, single submitter. Criteria: ACMG Guidelines, 2015. Collection method: clinical testing. Allele origin: germline. Observed: 2 variant alleles.
Comment: BS1, BS2, BP4

Blueprint Genetics
Classification: Likely benign. Last evaluated: 2024-11-11. Review status: criteria provided, single submitter. Criteria: ACMG Guidelines, 2015. Collection method: clinical testing. Allele origin: germline.

Fulgent Genetics
Classification: Likely benign for Familial hyperaldosteronism type II; Epilepsy, idiopathic generalized, susceptibility to, 11; Leukoencephalopathy with mild cerebellar ataxia and white matter edema. Last evaluated: 2022-05-04. Review status: criteria provided, single submitter. Criteria: ACMG Guidelines, 2015. Collection method: clinical testing. Allele origin: unknown.

Center for Pediatric Genomic Medicine, Children's Mercy Hospital and Clinics
Classification: Likely benign. Last evaluated: 2016-07-11. Review status: criteria provided, single submitter. Criteria: ACMG Guidelines, 2015. Collection method: clinical testing. Allele origin: germline.
ClinVar note: Converted during submission from Likely Benign to Likely benign.

NM_004366.6(CLCN2):c.2415+4_2415+5dup

Gene: CLCN2 (chloride voltage-gated channel 2; minus strand). Cytogenetic location: 3q27.1.
Variant type: Duplication.
Coding change: c.2415+4_2415+5dup on transcript NM_004366.6 (MANE Select); bases 4 to 5 of the intron after coding-DNA position 2415, 2 bases duplicated (GG; older notation c.2415+4_2415+5dupGG).
Molecular consequence: intron variant.
Genome position (GRCh38, 1-based): chr3:184,352,007-184,352,008, CC duplicated on the plus strand (GG on the coding strand, the reverse complement: CLCN2 is on the minus strand); duplicating any 2 consecutive bases within chr3:184,352,007-184,352,009 gives the same sequence; the c. name uses the placement nearest the transcript's 3' end. VCF-style (leftmost placement, unchanged base first): chr3-184352006-G-GCC. GRCh37 (hg19) VCF-style: chr3-184069794-G-GCC.
Other names: p.?; c.2415+5_2415+6dup (NM_004366.6); c.2283+4_2283+5dup (NM_001171088.3); c.2364+4_2364+5dup (NM_001171087.3); c.2415+4_2415+5dup (NM_001171089.3).
Identifiers: ClinVar variation 376979 (VCV000376979.32), dbSNP rs146494980, ClinGen allele CA2733704.
Genomic context (GRCh38, chr3:184,352,006, plus strand): 5'-GGGGGACCAAGATCCCCACTGTGTCCTGAGAGCCTAGACCAGCCCTGGGCCAGGCTGCTG[G>GCC]CCCTACCTTGTGCAAAGAGGTCCGCTCCACCAGCTGGAAGGGAGCAGGATCAATTTTGCA-3'